The following is an entry in ClinVar:

NM_182961.4(SYNE1):c.18193C>T (p.Arg6065Trp)

Gene: SYNE1 (spectrin repeat containing nuclear envelope protein 1; minus strand). Cytogenetic location: 6q25.2.
Variant type: single nucleotide variant.
Coding change: c.18193C>T on transcript NM_182961.4 (MANE Select); coding-DNA position 18193, C replaced by T.
Protein change: p.Arg6065Trp; replaces arginine 6065 with tryptophan.
Molecular consequence: missense variant.
Genome position (GRCh38, 1-based): chr6:152,283,992, G>A on the plus strand (C>T on the coding strand, the complement: SYNE1 is on the minus strand). VCF-style: chr6-152283992-G-A. GRCh37 (hg19) VCF-style: chr6-152605127-G-A.
Other names: c.17980C>T, p.Arg5994Trp (NM_033071.5); short protein forms R6065W, R5994W.
Identifiers: ClinVar variation 284767 (VCV000284767.18), dbSNP rs200209279, ClinGen allele CA4055038.

ClinVar aggregate classification (germline): Conflicting classifications of pathogenicity. Review status: criteria provided, conflicting classifications (1 of 4 stars). 5 submissions from 4 submitters: Uncertain significance (4); Likely benign (1). Last evaluated 2024-08-21.

Conditions:
Autosomal recessive ataxia, Beauce type. Also called: Spinocerebellar ataxia, autosomal recessive 8; ATAXIA, RECESSIVE, OF BEAUCE; SYNE1-Related Autosomal Recessive Cerebellar Ataxia; SYNE1 Deficiency. Identifiers: Orphanet 88644, MedGen C1853116, MONDO:0012549, OMIM 610743.
Emery-Dreifuss muscular dystrophy 4, autosomal dominant (EDMD4). Also called: EMERY-DREIFUSS MUSCULAR DYSTROPHY 4 WITH VARIABLE FEATURES. Identifiers: Orphanet 261, MedGen C2751807, MONDO:0013071, OMIM 612998.

Allele frequency attached by ClinVar (database versions not stated): gnomAD 0.00003 and 0.00004; ExAC 0.00004; gnomAD exomes 0.00004; TOPMed 0.00004; ESP Exome Variant Server 0.00008.
gnomAD v4.1: 60 of 1,614,056 alleles (0.0037%); highest among the groups gnomAD compares: Middle Eastern, 0.033%; no homozygotes.

Submissions (5):

GeneDx
Classification: Uncertain significance. Last evaluated: 2024-08-21. Review status: criteria provided, single submitter. Criteria: GeneDx Variant Classification Process June 2021. Collection method: clinical testing. Allele origin: germline. Affected: yes.
Comment: In silico analysis supports that this missense variant has a deleterious effect on protein structure/function; Has not been previously published as pathogenic or benign to our knowledge

Labcorp Genetics (formerly Invitae), Labcorp
Classification: Uncertain significance for Emery-Dreifuss muscular dystrophy 4, autosomal dominant; Autosomal recessive ataxia, Beauce type. Last evaluated: 2019-12-21. Review status: criteria provided, single submitter. Criteria: Invitae Variant Classification Sherloc (09022015). Collection method: clinical testing. Allele origin: germline.
Comment: In summary, the available evidence is currently insufficient to determine the role of this variant in disease. Therefore, it has been classified as a Variant of Uncertain Significance. Algorithms developed to predict the effect of missense changes on protein structure and function (SIFT, PolyPhen-2, Align-GVGD) all suggest that this variant is likely to be disruptive, but these predictions have not been confirmed by published functional studies and their clinical significance is uncertain. This variant has not been reported in the literature in individuals with SYNE1-related conditions. ClinVar contains an entry for this variant (Variation ID: 284767). This variant is present in population databases (rs200209279, ExAC 0.008%). This sequence change replaces arginine with tryptophan at codon 5994 of the SYNE1 protein (p.Arg5994Trp). The arginine residue is highly conserved and there is a moderate physicochemical difference between arginine and tryptophan.

Illumina Laboratory Services, Illumina
Classification: Uncertain significance for Autosomal recessive ataxia, Beauce type. Last evaluated: 2018-01-13. Review status: criteria provided, single submitter. Criteria: ICSL Variant Classification Criteria 13 December 2019. Collection method: clinical testing. Allele origin: germline.

Illumina Laboratory Services, Illumina
Classification: Likely benign for Emery-Dreifuss muscular dystrophy 4, autosomal dominant. Last evaluated: 2018-01-13. Review status: criteria provided, single submitter. Criteria: ICSL Variant Classification Criteria 13 December 2019. Collection method: clinical testing. Allele origin: germline.
Comment: This variant was observed in the ICSL laboratory as part of a predisposition screen in an ostensibly healthy population. It had not been previously curated by ICSL or reported in the Human Gene Mutation Database (HGMD: prior to June 1st, 2018), and was therefore a candidate for classification through an automated scoring system. Utilizing variant allele frequency, disease prevalence and penetrance estimates, and inheritance mode, an automated score was calculated to assess if this variant is too frequent to cause the disease. Based on the score and internal cut-off values, a variant classified as likely benign is not then subjected to further curation. The score for this variant resulted in a classification of likely benign for this disease.

Eurofins Ntd Llc (ga)
Classification: Uncertain significance. Last evaluated: 2015-12-05. Review status: criteria provided, single submitter. Criteria: EGL Classification Definitions 2015. Collection method: clinical testing. Allele origin: germline. Observed: 1 variant allele, 1 heterozygote.